The following is an entry in ClinVar:

NM_000059.4(BRCA2):c.5944A>G (p.Ser1982Gly)

Gene: BRCA2 (BRCA2 DNA repair associated; plus strand). Cytogenetic location: 13q13.1.
Variant type: single nucleotide variant.
Coding change: c.5944A>G on transcript NM_000059.4 (MANE Select); coding-DNA position 5944, A replaced by G.
Protein change: p.Ser1982Gly; replaces serine 1982 with glycine.
Molecular consequence: missense variant.
Genome position (GRCh38, 1-based): chr13:32,340,299, A>G. VCF-style: chr13-32340299-A-G. GRCh37 (hg19) VCF-style: chr13-32914436-A-G.
Other names: short protein forms S1982G.
Identifiers: ClinVar variation 1036964 (VCV001036964.11), dbSNP rs2072542296, ClinGen allele CA387787576.
Genomic context (GRCh38, chr13:32,340,299, plus strand): 5'-ATAGGGAAGCTTCATAAGTCAGTCTCATCTGCAAATACTTGTGGGATTTTTAGCACAGCA[A>G]GTGGAAAATCTGTCCAGGTATCAGATGCTTCATTACAAAACGCAAGACAAGTGTTTTCTG-3'
Protein context (NP_000050.3, residues 1972-1992): ANTCGIFSTA[Ser1982Gly]GKSVQVSDAS

ClinVar aggregate classification (germline): Conflicting classifications of pathogenicity. Review status: criteria provided, conflicting classifications (1 of 4 stars). 3 submissions from 3 submitters: Uncertain significance (2); Likely benign (1). Last evaluated 2023-06-08.

Conditions:
Breast-ovarian cancer, familial, susceptibility to, 2 (BROVCA2). Also called: BRCA2 Hereditary Breast and Ovarian Cancer. Identifiers: Orphanet 145, MedGen C2675520, MONDO:0012933, OMIM 612555. Disease mechanism: loss of function.
Hereditary breast ovarian cancer syndrome. Also called: Hereditary breast and/or ovarian cancer syndrome; Hereditary breast and ovarian cancer; Hereditary breast and ovarian cancer syndrome (HBOC); Breast and ovarian cancer; BRCA1- and BRCA2-Associated Hereditary Breast and Ovarian Cancer; Hereditary breast and ovarian cancer syndrome. Identifiers: Orphanet 145, MedGen C0677776, MeSH D061325, MONDO:0003582. Disease mechanism: loss of function.
Hereditary cancer-predisposing syndrome. Also called: Neoplastic Syndromes, Hereditary; Hereditary Cancer Syndrome; Tumor predisposition; Hereditary neoplastic syndrome. Identifiers: Orphanet 140162, MedGen C0027672, MeSH D009386, MONDO:0015356.

Submissions (3):

All of Us Research Program, National Institutes of Health
Classification: Uncertain significance for Breast-ovarian cancer, familial, susceptibility to, 2. Last evaluated: 2023-06-08. Review status: criteria provided, single submitter. Criteria: ACMG Guidelines, 2015. Collection method: clinical testing. Allele origin: germline. Inheritance: Autosomal dominant inheritance. Observed: 1 variant allele, 1 heterozygote.
Comment: This missense variant replaces serine with glycine at codon 1982 of the BRCA2 protein. Computational prediction is inconclusive regarding the impact of this variant on protein structure and function (internally defined REVEL score threshold 0.5 < inconclusive < 0.7, PMID: 27666373). To our knowledge, functional studies have not been reported for this variant. This variant has been reported in an individual affected with breast cancer (PMID: 20104584). This variant has not been identified in the general population by the Genome Aggregation Database (gnomAD). The available evidence is insufficient to determine the role of this variant in disease conclusively. Therefore, this variant is classified as a Variant of Uncertain Significance.

This study involves interpretation of variants in research participants for the purpose of population health screening. Participant phenotype was not available at the time of variant classification. Additional details can be found in publication PMID: 35346344, PMCID: PMC8962531

University of Washington Department of Laboratory Medicine, University of Washington
Classification: Likely benign for Hereditary cancer-predisposing syndrome. Last evaluated: 2023-03-23. Review status: criteria provided, single submitter. Criteria: Dines et al. (Genet Med. 2020). Collection method: curation. Allele origin: germline.
Comment: Missense variant in a coldspot region where missense variants are very unlikely to be pathogenic (PMID:31911673).

BRCA2 exon 11 coldspot. Reclassification based on statistical prior probability.

Labcorp Genetics (formerly Invitae), Labcorp
Classification: Uncertain significance for Hereditary breast ovarian cancer syndrome. Last evaluated: 2021-01-27. Review status: criteria provided, single submitter. Criteria: Invitae Variant Classification Sherloc (09022015). Collection method: clinical testing. Allele origin: germline.
Comment: This variant is not present in population databases (ExAC no frequency). This sequence change replaces serine with glycine at codon 1982 of the BRCA2 protein (p.Ser1982Gly). The serine residue is highly conserved and there is a small physicochemical difference between serine and glycine. This variant has not been reported in the literature in individuals with BRCA2-related conditions. In summary, the available evidence is currently insufficient to determine the role of this variant in disease. Therefore, it has been classified as a Variant of Uncertain Significance. Advanced modeling of protein sequence and biophysical properties (such as structural, functional, and spatial information, amino acid conservation, physicochemical variation, residue mobility, and thermodynamic stability) performed at Invitae indicates that this missense variant is not expected to disrupt BRCA2 protein function.

Literature cited by the submitters: PubMed 20104584 (cited by All of Us Research Program, National Institutes of Health).